The following is an entry in ClinVar:

NM_005477.3(HCN4):c.702C>A (p.Phe234Leu)

Gene: HCN4 (hyperpolarization activated cyclic nucleotide gated potassium channel 4; minus strand). Cytogenetic location: 15q24.1.
Variant type: single nucleotide variant.
Coding change: c.702C>A on transcript NM_005477.3 (MANE Select); coding-DNA position 702, C replaced by A.
Protein change: p.Phe234Leu; replaces phenylalanine 234 with leucine.
Molecular consequence: missense variant.
Genome position (GRCh38, 1-based): chr15:73,367,569, G>T on the plus strand (C>A on the coding strand, the complement: HCN4 is on the minus strand). VCF-style: chr15-73367569-G-T. GRCh37 (hg19) VCF-style: chr15-73659910-G-T.
Other names: short protein forms F234L.
Identifiers: ClinVar variation 2850630 (VCV002850630.3), dbSNP rs775592338, ClinGen allele CA393097188.

ClinVar aggregate classification (germline): Uncertain significance (1 of 4 stars; one submission).

Conditions:
Brugada syndrome 8 (BRGDA8). Identifiers: Orphanet 130, MedGen C2751083, MONDO:0013148, OMIM 613123.

Submission:

Labcorp Genetics (formerly Invitae), Labcorp
Classification: Uncertain significance for Brugada syndrome 8. Last evaluated: 2023-03-29. Review status: criteria provided, single submitter. Criteria: Invitae Variant Classification Sherloc (09022015). Collection method: clinical testing. Allele origin: germline.
Comment: In summary, the available evidence is currently insufficient to determine the role of this variant in disease. Therefore, it has been classified as a Variant of Uncertain Significance. Advanced modeling of protein sequence and biophysical properties (such as structural, functional, and spatial information, amino acid conservation, physicochemical variation, residue mobility, and thermodynamic stability) performed at Invitae indicates that this missense variant is not expected to disrupt HCN4 protein function. This variant has not been reported in the literature in individuals affected with HCN4-related conditions. This variant is not present in population databases (gnomAD no frequency). This sequence change replaces phenylalanine, which is neutral and non-polar, with leucine, which is neutral and non-polar, at codon 234 of the HCN4 protein (p.Phe234Leu).